The following is an entry in ClinVar:

ClinVar aggregate classification (germline): Uncertain significance (1 of 4 stars; one submission).

Submission:

CeGaT Center for Human Genetics Tuebingen
Classification: Uncertain significance. Last evaluated: 2026-01-01. Review status: criteria provided, single submitter. Criteria: CeGaT Center For Human Genetics Tuebingen Variant Classification Criteria Version 2. Collection method: clinical testing. Allele origin: germline. Affected: yes. Observed: 1 variant allele.
Comment: SOX3: PM2

NM_005634.3(SOX3):c.1256C>T (p.Pro419Leu)

Gene: SOX3 (SRY-box transcription factor 3; minus strand). Cytogenetic location: Xq27.1.
Variant type: single nucleotide variant.
Coding change: c.1256C>T on transcript NM_005634.3 (MANE Select); coding-DNA position 1256, C replaced by T.
Protein change: p.Pro419Leu; replaces proline 419 with leucine.
Molecular consequence: missense variant.
Genome position (GRCh38, 1-based): chrX:140,503,805, G>A on the plus strand (C>T on the coding strand, the complement: SOX3 is on the minus strand). VCF-style: chrX-140503805-G-A. GRCh37 (hg19) VCF-style: chrX-139585970-G-A.
Other names: short protein forms P419L.
Identifiers: ClinVar variation 4823223 (VCV004823223.4).